The following is an entry in ClinVar:

ClinVar aggregate classification (germline): Uncertain significance (1 of 4 stars; one submission).

Allele frequency attached by ClinVar (database versions not stated): gnomAD exomes below 0.00001.
gnomAD v4.1: 2 of 1,211,824 alleles (0.00017%); highest among the groups gnomAD compares: African/African-American, 0.0017%; no homozygotes.

Submission:

GeneDx
Classification: Uncertain significance. Last evaluated: 2022-02-28. Review status: criteria provided, single submitter. Criteria: GeneDx Variant Classification Process June 2021. Collection method: clinical testing. Allele origin: germline. Affected: yes.
Comment: Not observed at significant frequency in large population cohorts (gnomAD); In silico analysis supports that this missense variant does not alter protein structure/function; Has not been previously published as pathogenic or benign to our knowledge

NM_005629.4(SLC6A8):c.538G>A (p.Asp180Asn)

Gene: SLC6A8 (solute carrier family 6 member 8; plus strand). Cytogenetic location: Xq28.
Variant type: single nucleotide variant.
Coding change: c.538G>A on transcript NM_005629.4 (MANE Select); coding-DNA position 538, G replaced by A.
Protein change: p.Asp180Asn; replaces aspartic acid 180 with asparagine.
Molecular consequence: missense variant.
Genome position (GRCh38, 1-based): chrX:153,691,447, G>A. VCF-style: chrX-153691447-G-A. GRCh37 (hg19) VCF-style: chrX-152956902-G-A.
Other names: c.538G>A, p.Asp180Asn (NM_001142805.2); c.193G>A, p.Asp65Asn (NM_001142806.1); short protein forms D180N, D65N.
Identifiers: ClinVar variation 1703961 (VCV001703961.2), dbSNP rs2522156199, ClinGen allele CA415079019.
Genomic context (GRCh38, chrX:153,691,447, plus strand): 5'-GTCAAGTCCTTTACCACCACGCTGCCCTGGGCCACATGTGGCCACACCTGGAACACTCCC[G>A]ACTGCGTGGAGATCTTCCGCCATGAAGACTGTGCCAATGCCAGCCTGGCCAACCTCACCT-3'
Protein context (NP_005620.1, residues 170-190): ATCGHTWNTP[Asp180Asn]CVEIFRHEDC